The following is an entry in ClinVar:

NM_025137.4(SPG11):c.3080T>G (p.Leu1027Ter)

Gene: SPG11 (SPG11 vesicle trafficking associated, spatacsin; minus strand). Cytogenetic location: 15q21.1.
Variant type: single nucleotide variant.
Coding change: c.3080T>G on transcript NM_025137.4 (MANE Select); coding-DNA position 3080, T replaced by G.
Protein change: p.Leu1027Ter; replaces leucine 1027 with a stop codon.
Molecular consequence: nonsense.
Genome position (GRCh38, 1-based): chr15:44,613,495, A>C on the plus strand (T>G on the coding strand, the complement: SPG11 is on the minus strand). VCF-style: chr15-44613495-A-C. GRCh37 (hg19) VCF-style: chr15-44905693-A-C.
Other names: c.3080T>G, p.Leu1027Ter (NM_001160227.2, NM_001411132.1); short protein forms L1027*.
Identifiers: ClinVar variation 3339967 (VCV003339967.1).

ClinVar aggregate classification (germline): Pathogenic (1 of 4 stars; one submission).

Conditions:
Hereditary spastic paraplegia. Also called: Familial spastic paraparesis. Identifiers: Orphanet 685, MedGen C0037773, MONDO:0019064. Disease mechanism: loss of function.

Submission:

Women's Health and Genetics/Laboratory Corporation of America, LabCorp
Classification: Pathogenic for Hereditary spastic paraplegia. Last evaluated: 2024-06-19. Review status: criteria provided, single submitter. Criteria: LabCorp Variant Classification Summary - May 2015. Collection method: clinical testing. Allele origin: germline.
Comment: Variant summary: SPG11 c.3080T>G (p.Leu1027X) results in a premature termination codon, predicted to cause absence of the protein due to nonsense mediated decay, which is a commonly known mechanism for disease. The variant was absent in 251274 control chromosomes (gnomAD). To our knowledge, no occurrence of c.3080T>G in individuals affected with Hereditary Spastic Paraplegia, Type 11 and no experimental evidence demonstrating its impact on protein function have been reported. No submitters have cited clinical-significance assessments for this variant to ClinVar. Based on the evidence outlined above, the variant was classified as pathogenic.